The following is an entry in ClinVar:

NM_001042492.3(NF1):c.5833T>C (p.Cys1945Arg)

Gene: NF1 (neurofibromin 1; plus strand). Cytogenetic location: 17q11.2.
Variant type: single nucleotide variant.
Coding change: c.5833T>C on transcript NM_001042492.3 (MANE Select); coding-DNA position 5833, T replaced by C.
Protein change: p.Cys1945Arg; replaces cysteine 1945 with arginine.
Molecular consequence: missense variant.
Genome position (GRCh38, 1-based): chr17:31,334,858, T>C. VCF-style: chr17-31334858-T-C. GRCh37 (hg19) VCF-style: chr17-29661876-T-C.
Other names: c.5770T>C, p.Cys1924Arg (NM_000267.4); short protein forms C1945R, C1924R.
Identifiers: ClinVar variation 3634577 (VCV003634577.2).

ClinVar aggregate classification (germline): Uncertain significance (1 of 4 stars; one submission).

Conditions:
Neurofibromatosis, type 1 (NF1). Also called: VON RECKLINGHAUSEN DISEASE; Peripheral type neurofibromatosis; NEUROFIBROMATOSIS, TYPE I, SOMATIC; Neurofibromatosis, type I. Identifiers: Orphanet 636, MedGen C0027831, MONDO:0018975, OMIM 162200. Disease mechanism: loss of function.

Submission:

Labcorp Genetics (formerly Invitae), Labcorp
Classification: Uncertain significance for Neurofibromatosis, type 1. Last evaluated: 2024-11-24. Review status: criteria provided, single submitter. Criteria: Invitae Variant Classification Sherloc (09022015). Collection method: clinical testing. Allele origin: germline.
Comment: This sequence change replaces cysteine, which is neutral and slightly polar, with arginine, which is basic and polar, at codon 1924 of the NF1 protein (p.Cys1924Arg). This variant is not present in population databases (gnomAD no frequency). This variant has not been reported in the literature in individuals affected with NF1-related conditions. Invitae Evidence Modeling of protein sequence and biophysical properties (such as structural, functional, and spatial information, amino acid conservation, physicochemical variation, residue mobility, and thermodynamic stability) indicates that this missense variant is expected to disrupt NF1 protein function with a positive predictive value of 95%. In summary, the available evidence is currently insufficient to determine the role of this variant in disease. Therefore, it has been classified as a Variant of Uncertain Significance.